The following is an entry in ClinVar:

NM_138694.4(PKHD1):c.11310+19C>T

Gene: PKHD1 (PKHD1 ciliary IPT domain containing fibrocystin/polyductin; minus strand). Cytogenetic location: 6p12.3.
Variant type: single nucleotide variant.
Coding change: c.11310+19C>T on transcript NM_138694.4 (MANE Select); 19 bases into the intron after coding-DNA position 11310, C replaced by T.
Molecular consequence: intron variant.
Genome position (GRCh38, 1-based): chr6:51,649,066, G>A on the plus strand (C>T on the coding strand, the complement: PKHD1 is on the minus strand). VCF-style: chr6-51649066-G-A. GRCh37 (hg19) VCF-style: chr6-51513864-G-A.
Identifiers: ClinVar variation 997895 (VCV000997895.6), dbSNP rs767496904, ClinGen allele CA3850907.
Genomic context (GRCh38, chr6:51,649,066, plus strand): 5'-ATGACACACTCTAAAAGATAGGCTGAATGCTACATGCTACTTAGCTCTAAAGACAGATTT[G>A]TTACCTGTGAAAAGTTACCTGCTCATCCAAAAATACCAATTGTGGCTGCACTGGAAGCTC-3'

ClinVar aggregate classification (germline): Likely benign. Review status: criteria provided, multiple submitters, no conflicts (2 of 4 stars). 2 submissions from 2 submitters: Likely benign (2). Last evaluated 2025-01-09.

Conditions:
Autosomal recessive polycystic kidney disease (ARPKD). Also called: AR polycystic kidney disease. Identifiers: Orphanet 731, Orphanet 8378, MedGen C0085548, MeSH D017044, MONDO:0009889.

Allele frequency attached by ClinVar (database versions not stated): TOPMed 0.00001; gnomAD 0.00002; gnomAD exomes 0.00003; ExAC 0.00013.
gnomAD v4.1: 40 of 1,610,440 alleles (0.0025%); highest among the groups gnomAD compares: Admixed American, 0.028%; no homozygotes.

Submissions (2):

Women's Health and Genetics/Laboratory Corporation of America, LabCorp
Classification: Likely benign. Last evaluated: 2025-01-09. Review status: criteria provided, single submitter. Criteria: LabCorp Variant Classification Summary - May 2015. Collection method: clinical testing. Allele origin: germline.
Comment: Variant summary: PKHD1 c.11310+19C>T alters a non-conserved nucleotide located at a position not widely known to affect splicing. Consensus agreement among computation tools predict no significant impact on normal splicing. However, these predictions have yet to be confirmed by functional studies. The variant allele was found at a frequency of 8.8e-05 in 250794 control chromosomes. This frequency is not significantly higher than estimated for a pathogenic variant in PKHD1 causing Polycystic Kidney And Hepatic Disease (8.8e-05 vs 0.0071), allowing no conclusion about variant significance. c.11310+19C>T has been reported in the literature in at least one individual affected with Polycystic Kidney And Hepatic Disease without strong evidence for causality (e.g. Bergmann_2005). This report does not provide unequivocal conclusions about association of the variant with Polycystic Kidney And Hepatic Disease. To our knowledge, no experimental evidence demonstrating an impact on protein function has been reported. The following publication has been ascertained in the context of this evaluation (PMID: 15698423). ClinVar contains an entry for this variant (Variation ID: 997895). Based on the evidence outlined above, the variant was classified as likely benign.

Labcorp Genetics (formerly Invitae), Labcorp
Classification: Likely benign for Autosomal recessive polycystic kidney disease. Last evaluated: 2024-02-09. Review status: criteria provided, single submitter. Criteria: Invitae Variant Classification Sherloc (09022015). Collection method: clinical testing. Allele origin: germline.

Literature cited by the submitters: PubMed 15698423 (cited by Women's Health and Genetics/Laboratory Corporation of America, LabCorp).